The following is an entry in ClinVar:

NM_182493.3(MYLK3):c.1738G>C (p.Glu580Gln)

Gene: MYLK3 (myosin light chain kinase 3; minus strand). Cytogenetic location: 16q11.2.
Variant type: single nucleotide variant.
Coding change: c.1738G>C on transcript NM_182493.3 (MANE Select); coding-DNA position 1738, G replaced by C.
Protein change: p.Glu580Gln; replaces glutamic acid 580 with glutamine.
Molecular consequence: missense variant.
Genome position (GRCh38, 1-based): chr16:46,729,058, C>G on the plus strand (G>C on the coding strand, the complement: MYLK3 is on the minus strand). VCF-style: chr16-46729058-C-G. GRCh37 (hg19) VCF-style: chr16-46762970-C-G.
Other names: c.715G>C, p.Glu239Gln (NM_001308301.1); short protein forms E239Q, E580Q.
Identifiers: ClinVar variation 2858795 (VCV002858795.3), dbSNP rs748855280, ClinGen allele CA395790155.

ClinVar aggregate classification (germline): Uncertain significance (1 of 4 stars; one submission).

gnomAD v4.1: 3 of 1,614,114 alleles (0.00019%); highest among the groups gnomAD compares: Admixed American, 0.0017%; no homozygotes.

Submission:

Labcorp Genetics (formerly Invitae), Labcorp
Classification: Uncertain significance. Last evaluated: 2023-02-27. Review status: criteria provided, single submitter. Criteria: Invitae Variant Classification Sherloc (09022015). Collection method: clinical testing. Allele origin: germline.
Comment: In summary, the available evidence is currently insufficient to determine the role of this variant in disease. Therefore, it has been classified as a Variant of Uncertain Significance. An algorithm developed to predict the effect of missense changes on protein structure and function (PolyPhen-2) suggests that this variant is likely to be disruptive. This variant has not been reported in the literature in individuals affected with MYLK3-related conditions. This variant is present in population databases (no rsID available, gnomAD 0.003%). This sequence change replaces glutamic acid, which is acidic and polar, with glutamine, which is neutral and polar, at codon 580 of the MYLK3 protein (p.Glu580Gln).